The following is an entry in ClinVar:

ClinVar aggregate classification (germline): Likely pathogenic (1 of 4 stars; one submission).

Conditions:
Primary ciliary dyskinesia 19. Also called: CILIARY DYSKINESIA, PRIMARY, 19, WITH OR WITHOUT SITUS INVERSUS. Identifiers: Orphanet 244, MedGen C3543826, MONDO:0013979, OMIM 614935.

Allele frequency attached by ClinVar (database versions not stated): ExAC 0.00001; TOPMed 0.00001.

Submission:

Labcorp Genetics (formerly Invitae), Labcorp
Classification: Likely pathogenic for Primary ciliary dyskinesia 19. Last evaluated: 2025-06-17. Review status: criteria provided, single submitter. Criteria: Invitae Variant Classification Sherloc (09022015). Collection method: clinical testing. Allele origin: germline.
Comment: This sequence change affects an acceptor splice site in intron 5 of the LRRC6 gene. It is expected to disrupt RNA splicing. Variants that disrupt the donor or acceptor splice site typically lead to a loss of protein function (PMID: 16199547), and loss-of-function variants in LRRC6 are known to be pathogenic (PMID: 23122589). The frequency data for this variant in the population databases is considered unreliable, as metrics indicate poor data quality at this position in the gnomAD database. This variant has not been reported in the literature in individuals affected with LRRC6-related conditions. ClinVar contains an entry for this variant (Variation ID: 3003396). Algorithms developed to predict the effect of sequence changes on RNA splicing suggest that this variant may disrupt the consensus splice site. In summary, the currently available evidence indicates that the variant is pathogenic, but additional data are needed to prove that conclusively. Therefore, this variant has been classified as Likely Pathogenic.

Literature cited by the submitters: PubMed 16199547; PubMed 23122589.

NM_012472.6(DNAAF11):c.654-1G>T

Gene: DNAAF11 (dynein axonemal assembly factor 11; minus strand). Cytogenetic location: 8q24.22.
Variant type: single nucleotide variant.
Coding change: c.654-1G>T on transcript NM_012472.6 (MANE Select); the canonical splice acceptor site of the intron before coding-DNA position 654, G replaced by T.
Molecular consequence: splice acceptor variant.
Genome position (GRCh38, 1-based): chr8:132,625,455, C>A on the plus strand (G>T on the coding strand, the complement: DNAAF11 is on the minus strand). VCF-style: chr8-132625455-C-A. GRCh37 (hg19) VCF-style: chr8-133637701-C-A.
Other names: c.294-1G>T (NM_001321964.2, NM_001321965.2, NM_001321966.2 and 1 more transcripts); c.408-1G>T (NM_001321962.2); c.654-1G>T (NM_001321961.2).
Identifiers: ClinVar variation 3003396 (VCV003003396.3), dbSNP rs756153007, ClinGen allele CA4881325.